The following is an entry in ClinVar:

ClinVar aggregate classification (germline): Likely benign (1 of 4 stars; one submission).

Conditions:
NR0B2-related disorder. Also called: NR0B2-related condition.

gnomAD v4.1: 9 of 1,614,132 alleles (0.00056%); highest among the groups gnomAD compares: Non-Finnish European, 0.00076%; no homozygotes.

Submission:

PreventionGenetics, part of Exact Sciences
Classification: Likely benign for NR0B2-related condition. Last evaluated: 2026-09-01. Review status: criteria provided, single submitter. Criteria: ACMG Guidelines, 2015. Collection method: clinical testing. Allele origin: germline.
Comment: This variant is classified as likely benign based on ACMG/AMP sequence variant interpretation guidelines (Richards et al. 2015 PMID: 25741868, with internal and published modifications).

NM_021969.3(NR0B2):c.678C>G (p.Ser226=)

Genes: NR0B2 (nuclear receptor subfamily 0 group B member 2; minus strand), NUDC (nuclear distribution C, dynein complex regulator; plus strand). Cytogenetic location: 1p36.11.
Variant type: single nucleotide variant.
Coding change: c.678C>G on transcript NM_021969.3 (MANE Select); coding-DNA position 678, C replaced by G.
Protein change: p.Ser226=; no amino-acid change (serine 226 retained).
Molecular consequence: synonymous variant.
Genome position (GRCh38, 1-based): chr1:26,911,941, G>C on the plus strand (C>G on the coding strand, the complement: NR0B2 is on the minus strand). VCF-style: chr1-26911941-G-C. GRCh37 (hg19) VCF-style: chr1-27238432-G-C.
Identifiers: ClinVar variation 4987762 (VCV004987762.1).